The following is an entry in ClinVar:

NM_002834.5(PTPN11):c.1471C>A (p.Pro491Thr)

Gene: PTPN11 (protein tyrosine phosphatase non-receptor type 11; plus strand). Cytogenetic location: 12q24.13.
Variant type: single nucleotide variant.
Coding change: c.1471C>A on transcript NM_002834.5 (MANE Select); coding-DNA position 1471, C replaced by A.
Protein change: p.Pro491Thr; replaces proline 491 with threonine.
Molecular consequence: missense variant.
Genome position (GRCh38, 1-based): chr12:112,489,047, C>A. VCF-style: chr12-112489047-C-A. GRCh37 (hg19) VCF-style: chr12-112926851-C-A.
Other names: p.P491T:CCC>ACC; c.1483C>A, p.Pro495Thr (NM_001330437.2); c.1468C>A, p.Pro490Thr (NM_001374625.1); short protein forms P491T, P495T, P490T.
Identifiers: ClinVar variation 40549 (VCV000040549.29), dbSNP rs397507539, ClinGen allele CA261540.

ClinVar aggregate classification (germline): Pathogenic/Likely pathogenic. Review status: criteria provided, multiple submitters, no conflicts (2 of 4 stars). 12 submissions from 12 submitters: Pathogenic (6); Likely pathogenic (4). 2 of the submissions do not count toward it. Last evaluated 2025-07-30.

Conditions:
Cardiovascular phenotype. Identifiers: MedGen CN230736.
Noonan syndrome (NS). Also called: Noonan's syndrome. Identifiers: Orphanet 648, MedGen C0028326, MeSH D009634, MONDO:0018997. Disease mechanism: gain of function.
Noonan syndrome 1 (NS1). Also called: FEMALE PSEUDO-TURNER SYNDROME; PTPN11-Related Noonan Syndrome; TURNER PHENOTYPE WITH NORMAL KARYOTYPE. Identifiers: Orphanet 648, MedGen C4551602, MONDO:0008104, OMIM 163950. Disease mechanism: gain of function.
Juvenile myelomonocytic leukemia (JMML). Also called: LEUKEMIA, JUVENILE MYELOMONOCYTIC, SOMATIC. Identifiers: Orphanet 86834, MedGen C0349639, MONDO:0011908, OMIM 607785, HP:0012209.
Metachondromatosis (METCDS). Identifiers: Orphanet 2499, MedGen C0410530, MONDO:0007979, OMIM 156250.
LEOPARD syndrome 1 (LPRD1). Also called: LENTIGINOSIS, CARDIOMYOPATHIC; MULTIPLE LENTIGINES SYNDROME; PTPN11-Related LEOPARD Syndrome. Identifiers: Orphanet 500, MedGen C4551484, MONDO:0100082, OMIM 151100.
RASopathy. Also called: rasopathies; Noonan spectrum disorder. Identifiers: Orphanet 536391, MedGen C5555857, MONDO:0021060.

gnomAD v4.1: 2 of 1,614,002 alleles (0.00012%); highest among the groups gnomAD compares: Non-Finnish European, 0.000085%; no homozygotes.

Submissions (12):

Labcorp Genetics (formerly Invitae), Labcorp
Classification: Pathogenic for RASopathy. Last evaluated: 2025-07-30. Review status: criteria provided, single submitter. Criteria: Invitae Variant Classification Sherloc (09022015). Collection method: clinical testing. Allele origin: germline.
Comment: This sequence change replaces proline, which is neutral and non-polar, with threonine, which is neutral and polar, at codon 491 of the PTPN11 protein (p.Pro491Thr). This variant is not present in population databases (gnomAD no frequency). This missense change has been observed in individuals with Noonan syndrome (PMID: 21526175, 22465605; http//). ClinVar contains an entry for this variant (Variation ID: 40549). Invitae Evidence Modeling of protein sequence and biophysical properties (such as structural, functional, and spatial information, amino acid conservation, physicochemical variation, residue mobility, and thermodynamic stability) has been performed for this missense variant. However, the output from this modeling did not meet the statistical confidence thresholds required to predict the impact of this variant on PTPN11 protein function. This variant disrupts the p.Pro491 amino acid residue in PTPN11. Other variant(s) that disrupt this residue have been determined to be pathogenic (PMID: 22465605, 22781091). This suggests that this residue is clinically significant, and that variants that disrupt this residue are likely to be disease-causing. For these reasons, this variant has been classified as Pathogenic.

GeneDx
Classification: Pathogenic. Last evaluated: 2025-03-17. Review status: criteria provided, single submitter. Criteria: GeneDx Variant Classification Process June 2021. Collection method: clinical testing. Allele origin: germline. Affected: yes.
Comment: Not observed at significant frequency in large population cohorts (gnomAD); In silico analysis indicates that this missense variant does not alter protein structure/function; The majority of missense variants in this gene are considered pathogenic (HGMD); This variant is associated with the following publications: (PMID: 34356170, 22781091, 21526175, 27535533, 37236975, 22465605)

Ambry Genetics
Classification: Pathogenic for Cardiovascular phenotype. Last evaluated: 2024-01-26. Review status: criteria provided, single submitter. Criteria: Ambry Variant Classification Scheme 2023. Collection method: clinical testing. Allele origin: germline.
Comment: The c.1471C>A (p.P491T) alteration is located in exon 13 (coding exon 13) of the PTPN11 gene. This alteration results from a C to A substitution at nucleotide position 1471, causing the proline (P) at amino acid position 491 to be replaced by a threonine (T)._x000D_ _x000D_ for PTPN11-related RASopathy; however, its clinical significance for metachondromatosis is uncertain. This variant was not reported in population-based cohorts in the Genome Aggregation Database (gnomAD). This variant was reported in multiple individuals with features consistent with PTPN11-related RASopathy (Chan, 2006; G&oacute;mez-Carballa, 2011; Ezquieta, 2012; Valentino, 2021; Carcavilla, 2023). _x000D_ _x000D_ Three other alterations at the same codon, c.1472C>A (p.P491H), c.1471C>T (p.P491S), and c.1472C>T (p.P491L), have been described in individuals with clinical features consistent with PTPN11-related RASopathy (Bertola, 2006; DECIPHER v.9.32; Ambry internal data). This amino acid position is highly conserved in available vertebrate species. This alteration is predicted to be deleterious by in silico analysis. Based on the available evidence, this alteration is classified as pathogenic.

Fulgent Genetics
Classification: Likely pathogenic for LEOPARD syndrome 1; Metachondromatosis; Noonan syndrome 1; Juvenile myelomonocytic leukemia. Last evaluated: 2022-02-09. Review status: criteria provided, single submitter. Criteria: ACMG Guidelines, 2015. Collection method: clinical testing. Allele origin: unknown.

Women's Health and Genetics/Laboratory Corporation of America, LabCorp
Classification: Likely pathogenic for RASopathy. Last evaluated: 2021-09-08. Review status: criteria provided, single submitter. Criteria: LabCorp Variant Classification Summary - May 2015. Collection method: clinical testing. Allele origin: germline.
Comment: Variant summary: PTPN11 c.1471C>A (p.Pro491Thr) results in a non-conservative amino acid change located in the PTP type protein phosphatase domain (IPR000242) of the encoded protein sequence. Three of five in-silico tools predict a damaging effect of the variant on protein function. Other missense variants located at this codon have been reported in patients with Noonan syndrome within the HGMD database supporting the notion of critical functional relevance of this Proline residue. The variant was absent in 251480 control chromosomes. c.1471C>A has been reported in the literature in at-least one well genotyped Spanish individual affected with Noonan Syndrome (example, Ezquieta_2012) and in another individual with Noonan syndrome in whom the possibility of a cohort/patient overlap with the earlier ascertainment cannot be excluded within the context of this evaluation (Gomez-Carballa_2011). These data indicate that the variant may be associated with disease. To our knowledge, no experimental evidence demonstrating an impact on protein function has been reported. Five clinical diagnostic laboratories have submitted clinical-significance assessments for this variant to ClinVar after 2014 without evidence for independent evaluation. All laboratories classified the variant as pathogenic (n=4)/likely pathogenic (n=1). Some submitters cite overlapping evidence utilized in the context of this evaluation. Based on the evidence outlined above, until additional clinical patients, confirmed de-novo origin and/or a functional study is identified, the variant was classified as likely pathogenic.

Illumina Laboratory Services, Illumina
Classification: Pathogenic for Noonan syndrome. Last evaluated: 2020-02-28. Review status: criteria provided, single submitter. Criteria: ICSLVariantClassificationCriteria RUGD 01 April 2020. Collection method: clinical testing. Allele origin: unknown.
Comment: The PTPN11 c.1471C>A (p.Pro491Thr) variant is a missense variant that has been reported in at least one individual affected with Noonan syndrome who inherited the variant from their affected father (Ezquieta et al. 2012). Other missense changes at the Pro491 residue, Pro491Ser, Pro491Leu and Pro491His have been reported to be pathogenic and have been found in individuals with Noonan syndrome (Binder et al. 2005; Ezquieta et al. 2012; ÄŒizmÃ¡rovÃ¡ et al. 2016). The p.Pro491Thr variant is not reported in the Genome Aggregation Database in a region of good sequence coverage, suggesting that it is a rare variant. Based on the collective evidence, de novo origin of the variant and application of the ACMG criteria, the p.Pro491Thr variant is classified as pathogenic for Noonan syndrome.

Genomic Medicine Lab, University of California San Francisco
Classification: Likely pathogenic for Noonan syndrome 1. Last evaluated: 2019-06-06. Review status: criteria provided, single submitter. Criteria: ACMG Guidelines, 2015. Collection method: clinical testing. Allele origin: unknown. Inheritance: Autosomal dominant inheritance. Affected: yes. Study: CSER-P3EGS.

Center for Human Genetics, Inc
Classification: Pathogenic for Noonan syndrome 1. Last evaluated: 2016-11-01. Review status: criteria provided, single submitter. Criteria: ACMG Guidelines, 2015. Collection method: clinical testing. Allele origin: germline. Affected: yes.

Laboratory for Molecular Medicine, Mass General Brigham Personalized Medicine
Classification: Pathogenic for Noonan syndrome. Last evaluated: 2013-05-21. Review status: criteria provided, single submitter. Criteria: LMM Criteria. Collection method: clinical testing. Allele origin: germline. Observed: 9 variant alleles.
Comment: The Pro491Thr variant has been reported in at least 6 individuals with clinical features of Noonan syndrome (Chan 2006, Carcavilla Urqui 2006, Ezquieta 2012, LM M unpublished data). In one of these individuals, the variant was inherited fro m an affected mother (Chan 2006). At our laboratory, we have identified this var iant in 3 individuals with clinical features of Noonan syndrome and the variant was also identified in at least one affected family member in each case. We have also tested several additional individuals with clinical features of Noonan spe ctrum disorders who had other amino acid changes at this position (Pro491Leu, Pr o491Ser, Pro491His). In summary, this variant meets our criteria to be classifi ed as pathogenic.

Juno Genomics, Hangzhou Juno Genomics, Inc
Classification: Likely pathogenic for LEOPARD syndrome 1; Juvenile myelomonocytic leukemia; Metachondromatosis; Noonan syndrome 1. Review status: criteria provided, single submitter. Criteria: ACMG Guidelines, 2015. Collection method: clinical testing. Allele origin: germline. Affected: yes.
Comment: Missense variant in a gene that has a low rate of benign missense variation.;Absent from controls (or at extremely low frequency if recessive) in Genome Aggregation Database.;Novel missense change at an amino acid residue where a different missense change determined to be pathogenic has been seen before.;The prevalence of the variant in affected individuals is significantly increased compared to the prevalence in controls.

Clinical Genetics DNA and cytogenetics Diagnostics Lab, Erasmus MC, Erasmus Medical Center
Classification: Pathogenic. Review status: no assertion criteria provided. Collection method: clinical testing. Allele origin: germline. Affected: yes. Study: VKGL Data-share Consensus. Not counted in ClinVar's aggregate classification.

Joint Genome Diagnostic Labs from Nijmegen and Maastricht, Radboudumc and MUMC+
Classification: Pathogenic. Review status: no assertion criteria provided. Collection method: clinical testing. Allele origin: germline. Affected: yes. Study: VKGL Data-share Consensus. Not counted in ClinVar's aggregate classification.

Literature cited by the submitters: PubMed 21526175 (cited by 3 submitters); PubMed 22465605 (cited by 5 submitters); PubMed 581 (cited by Labcorp Genetics (formerly Invitae), Labcorp); PubMed 1234 (cited by Labcorp Genetics (formerly Invitae), Labcorp); PubMed 22781091 (cited by Labcorp Genetics (formerly Invitae), Labcorp); PubMed 17020470 (cited by Ambry Genetics); PubMed 34356170 (cited by Ambry Genetics); PubMed 37568403 (cited by Ambry Genetics); PubMed 15985475 (cited by Illumina Laboratory Services, Illumina); PubMed 26607044 (cited by Illumina Laboratory Services, Illumina).